The following is an entry in ClinVar:

ClinVar aggregate classification (germline): Uncertain significance (1 of 4 stars; one submission).

Conditions:
ADGRG1-related disorder. Also called: ADGRG1-related condition.

gnomAD v4.1: 1 of 1,611,506 alleles (0.000062%); highest among the groups gnomAD compares: Admixed American, 0.0017%; no homozygotes.

Submission:

PreventionGenetics, part of Exact Sciences
Classification: Uncertain significance for ADGRG1-related condition. Last evaluated: 2026-02-19. Review status: criteria provided, single submitter. Criteria: ACMG Guidelines, 2015. Collection method: clinical testing. Allele origin: germline.
Comment: The ADGRG1 c.1280G>A variant is predicted to result in the amino acid substitution p.Cys427Tyr. To our knowledge, this variant has not been reported in the literature or in a large population database (gnomAD), indicating this variant is rare. At this time, the clinical significance of this variant is uncertain due to the absence of conclusive functional and genetic evidence.

NM_201525.4(ADGRG1):c.1280G>A (p.Cys427Tyr)

Gene: ADGRG1 (adhesion G protein-coupled receptor G1; plus strand). Cytogenetic location: 16q21.
Variant type: single nucleotide variant.
Coding change: c.1280G>A on transcript NM_201525.4 (MANE Select); coding-DNA position 1280, G replaced by A.
Protein change: p.Cys427Tyr; replaces cysteine 427 with tyrosine.
Molecular consequence: missense variant.
Genome position (GRCh38, 1-based): chr16:57,657,485, G>A. VCF-style: chr16-57657485-G-A. GRCh37 (hg19) VCF-style: chr16-57691397-G-A.
Other names: c.1280G>A, p.Cys427Tyr (NM_001145770.3, NM_001145771.3, NM_001145772.3 and 14 more transcripts); c.1295G>A, p.Cys432Tyr (NM_001145773.3, NM_001370433.1); c.770G>A, p.Cys257Tyr (NM_001290142.2); c.755G>A, p.Cys252Tyr (NM_001290143.2, NM_001290144.2, NM_001370451.1 and 2 more transcripts); c.1277G>A, p.Cys426Tyr (NM_001370434.1, NM_001370441.1); c.1124G>A, p.Cys375Tyr (NM_001370442.1); short protein forms C252Y, C257Y, C432Y, C426Y, C375Y, C427Y.
Identifiers: ClinVar variation 4992044 (VCV004992044.1).
Genomic context (GRCh38, chr16:57,657,485, plus strand): 5'-CCTACGTGGGCTGTGTCGTCTCTGCCCTGGCCTGCCTTGTCACCATTGCCGCCTACCTCT[G>A]CTCCAGGTGAGGCCTGAAAGGGGTGGGACAGGGGAGGGGACCCTCCATTGCACACACCTC-3'
Protein context (NP_958933.1, residues 417-437): ACLVTIAAYL[Cys427Tyr]SRRKPRDYTI